The following is an entry in ClinVar:

ClinVar aggregate classification (germline): Uncertain significance (1 of 4 stars; one submission).

Submission:

Labcorp Genetics (formerly Invitae), Labcorp
Classification: Uncertain significance. Last evaluated: 2024-02-17. Review status: criteria provided, single submitter. Criteria: Invitae Variant Classification Sherloc (09022015). Collection method: clinical testing. Allele origin: germline.
Comment: This sequence change falls in intron 2 of the AHR gene. It does not directly change the encoded amino acid sequence of the AHR protein. It affects a nucleotide within the consensus splice site. This variant is not present in population databases (gnomAD no frequency). This variant has not been reported in the literature in individuals affected with AHR-related conditions. ClinVar contains an entry for this variant (Variation ID: 2128518). Variants that disrupt the consensus splice site are a relatively common cause of aberrant splicing (PMID: 17576681, 9536098). Algorithms developed to predict the effect of sequence changes on RNA splicing suggest that this variant is not likely to affect RNA splicing. In summary, the available evidence is currently insufficient to determine the role of this variant in disease. Therefore, it has been classified as a Variant of Uncertain Significance.

Literature cited by the submitters: PubMed 17576681; PubMed 9536098.

NM_001621.5(AHR):c.253+5G>A

Gene: AHR (aryl hydrocarbon receptor; plus strand). Cytogenetic location: 7p21.1.
Variant type: single nucleotide variant.
Coding change: c.253+5G>A on transcript NM_001621.5 (MANE Select); 5 bases into the intron after coding-DNA position 253, G replaced by A.
Molecular consequence: intron variant.
Genome position (GRCh38, 1-based): chr7:17,310,128, G>A. VCF-style: chr7-17310128-G-A. GRCh37 (hg19) VCF-style: chr7-17349752-G-A.
Identifiers: ClinVar variation 2128518 (VCV002128518.4), dbSNP rs2534413331, ClinGen allele CA2580076900.